The following is an entry in ClinVar:

NM_025144.4(ALPK1):c.277G>A (p.Ala93Thr)

Gene: ALPK1 (alpha kinase 1; plus strand). Cytogenetic location: 4q25.
Variant type: single nucleotide variant.
Coding change: c.277G>A on transcript NM_025144.4 (MANE Select); coding-DNA position 277, G replaced by A.
Protein change: p.Ala93Thr; replaces alanine 93 with threonine.
Molecular consequence: missense variant.
Genome position (GRCh38, 1-based): chr4:112,411,827, G>A. VCF-style: chr4-112411827-G-A. GRCh37 (hg19) VCF-style: chr4-113332983-G-A.
Other names: c.277G>A, p.Ala93Thr (NM_001102406.2); c.43G>A, p.Ala15Thr (NM_001253884.2); short protein forms A15T, A93T.
Identifiers: ClinVar variation 4705000 (VCV004705000.1).

ClinVar aggregate classification (germline): Uncertain significance (1 of 4 stars; one submission).

gnomAD v4.1: 5 of 1,609,248 alleles (0.00031%); highest among the groups gnomAD compares: Admixed American, 0.0051%; 1 homozygote.

Submission:

Labcorp Genetics (formerly Invitae), Labcorp
Classification: Uncertain significance. Last evaluated: 2025-06-15. Review status: criteria provided, single submitter. Criteria: Invitae Variant Classification Sherloc (09022015). Collection method: clinical testing. Allele origin: germline.
Comment: This sequence change replaces alanine, which is neutral and non-polar, with threonine, which is neutral and polar, at codon 93 of the ALPK1 protein (p.Ala93Thr). This variant is present in population databases (rs780851052, gnomAD 0.009%). This variant has not been reported in the literature in individuals affected with ALPK1-related conditions. An algorithm developed to predict the effect of missense changes on protein structure and function (PolyPhen-2) suggests that this variant is likely to be tolerated. Algorithms developed to predict the effect of sequence changes on RNA splicing suggest that this variant may disrupt the consensus splice site. In summary, the available evidence is currently insufficient to determine the role of this variant in disease. Therefore, it has been classified as a Variant of Uncertain Significance.